The following is an entry in ClinVar:

ClinVar aggregate classification (germline): Conflicting classifications of pathogenicity. Review status: criteria provided, conflicting classifications (1 of 4 stars). 2 submissions from 2 submitters: Uncertain significance (1); Likely benign (1). Last evaluated 2022-10-23.

Conditions:
Cardiovascular phenotype. Identifiers: MedGen CN230736.

Allele frequency attached by ClinVar (database versions not stated): TOPMed 0.00002.
gnomAD v4.1: 3 of 1,548,930 alleles (0.00019%); highest among the groups gnomAD compares: Admixed American, 0.0059%; no homozygotes.

Submissions (2):

Ambry Genetics
Classification: Likely benign for Cardiovascular phenotype. Last evaluated: 2022-10-23. Review status: criteria provided, single submitter. Criteria: Ambry Variant Classification Scheme 2023. Collection method: clinical testing. Allele origin: germline.

Labcorp Genetics (formerly Invitae), Labcorp
Classification: Uncertain significance. Last evaluated: 2022-09-15. Review status: criteria provided, single submitter. Criteria: Invitae Variant Classification Sherloc (09022015). Collection method: clinical testing. Allele origin: germline.
Comment: This sequence change replaces threonine, which is neutral and polar, with alanine, which is neutral and non-polar, at codon 216 of the ZNF469 protein (p.Thr216Ala). This variant is not present in population databases (gnomAD no frequency). This variant has not been reported in the literature in individuals affected with ZNF469-related conditions. ClinVar contains an entry for this variant (Variation ID: 1506687). Algorithms developed to predict the effect of missense changes on protein structure and function output the following: SIFT: "Tolerated"; PolyPhen-2: "Benign"; Align-GVGD: "Class C0". The alanine amino acid residue is found in multiple mammalian species, which suggests that this missense change does not adversely affect protein function. In summary, the available evidence is currently insufficient to determine the role of this variant in disease. Therefore, it has been classified as a Variant of Uncertain Significance.

NM_001367624.2(ZNF469):c.646A>G (p.Thr216Ala)

Gene: ZNF469 (zinc finger protein 469; plus strand). Cytogenetic location: 16q24.2.
Variant type: single nucleotide variant.
Coding change: c.646A>G on transcript NM_001367624.2 (MANE Select); coding-DNA position 646, A replaced by G.
Protein change: p.Thr216Ala; replaces threonine 216 with alanine.
Molecular consequence: missense variant.
Genome position (GRCh38, 1-based): chr16:88,428,116, A>G. VCF-style: chr16-88428116-A-G. GRCh37 (hg19) VCF-style: chr16-88494524-A-G.
Other names: NM_001127464.1:c.646A>G; short protein forms T216A.
Identifiers: ClinVar variation 1506687 (VCV001506687.6), dbSNP rs1905827976, ClinGen allele CA397061378.